The following is an entry in ClinVar:

NM_000135.4(FANCA):c.1093A>G (p.Met365Val)

Gene: FANCA (FA complementation group A; minus strand). Cytogenetic location: 16q24.3.
Variant type: single nucleotide variant.
Coding change: c.1093A>G on transcript NM_000135.4 (MANE Select); coding-DNA position 1093, A replaced by G.
Protein change: p.Met365Val; replaces methionine 365 with valine.
Molecular consequence: missense variant.
Genome position (GRCh38, 1-based): chr16:89,792,059, T>C on the plus strand (A>G on the coding strand, the complement: FANCA is on the minus strand). VCF-style: chr16-89792059-T-C. GRCh37 (hg19) VCF-style: chr16-89858467-T-C.
Other names: c.1093A>G, p.Met365Val (NM_001286167.3); c.1093A>G (NM_000135.2); short protein forms M365V.
Identifiers: ClinVar variation 1407861 (VCV001407861.9), dbSNP rs2143530760, ClinGen allele CA397466383.

ClinVar aggregate classification (germline): Uncertain significance. Review status: criteria provided, multiple submitters, no conflicts (2 of 4 stars). 2 submissions from 2 submitters: Uncertain significance (2). Last evaluated 2025-06-04.

Conditions:
Fanconi anemia (FA). Also called: Fanconi's anemia. Identifiers: Orphanet 84, MedGen C0015625, MeSH D005199, MONDO:0019391.
Inborn genetic diseases. Identifiers: MedGen C0950123, MeSH D030342.

Submissions (2):

Ambry Genetics
Classification: Uncertain significance for Inborn genetic diseases. Last evaluated: 2025-06-04. Review status: criteria provided, single submitter. Criteria: Ambry Variant Classification Scheme 2023. Collection method: clinical testing. Allele origin: germline.
Comment: The p.M365V variant (also known as c.1093A>G), located in coding exon 13 of the FANCA gene, results from an A to G substitution at nucleotide position 1093. The methionine at codon 365 is replaced by valine, an amino acid with highly similar properties. This amino acid position is conserved. In addition, this alteration is predicted to be tolerated by in silico analysis. Based on the available evidence, the clinical significance of this variant remains unclear.

Labcorp Genetics (formerly Invitae), Labcorp
Classification: Uncertain significance for Fanconi anemia. Last evaluated: 2020-12-15. Review status: criteria provided, single submitter. Criteria: Invitae Variant Classification Sherloc (09022015). Collection method: clinical testing. Allele origin: germline.
Comment: In summary, the available evidence is currently insufficient to determine the role of this variant in disease. Therefore, it has been classified as a Variant of Uncertain Significance. Advanced modeling of protein sequence and biophysical properties (such as structural, functional, and spatial information, amino acid conservation, physicochemical variation, residue mobility, and thermodynamic stability) performed at Invitae indicates that this missense variant is not expected to disrupt FANCA protein function. This variant has not been reported in the literature in individuals with FANCA-related conditions. This variant is not present in population databases (ExAC no frequency). This sequence change replaces methionine with valine at codon 365 of the FANCA protein (p.Met365Val). The methionine residue is weakly conserved and there is a small physicochemical difference between methionine and valine.